The following is an entry in ClinVar:

NM_000197.2(HSD17B3):c.812A>G (p.His271Arg)

Genes: HSD17B3 (hydroxysteroid 17-beta dehydrogenase 3; minus strand), SLC35D2-HSD17B3 (SLC35D2-HSD17B3 readthrough; minus strand). Cytogenetic location: 9q22.32.
Variant type: single nucleotide variant.
Coding change: c.812A>G on transcript NM_000197.2 (MANE Select); coding-DNA position 812, A replaced by G.
Protein change: p.His271Arg; replaces histidine 271 with arginine.
Molecular consequence: missense variant. On other transcripts: non-coding transcript variant (1).
Genome position (GRCh38, 1-based): chr9:96,240,768, T>C on the plus strand (A>G on the coding strand, the complement: HSD17B3 is on the minus strand). VCF-style: chr9-96240768-T-C. GRCh37 (hg19) VCF-style: chr9-99003050-T-C.
Other names: short protein forms H271R.
Identifiers: ClinVar variation 3629550 (VCV003629550.2).

ClinVar aggregate classification (germline): Likely pathogenic (1 of 4 stars; one submission).

Conditions:
Testosterone 17-beta-dehydrogenase deficiency. Also called: 17-beta hydroxysteroid dehydrogenase 3 deficiency; 17 alpha ketosteroid reductase deficiency of testis; 17 alpha KSR deficiency; Neutral 17 beta hydroxysteroid oxidoreductase deficiency; Male pseudoherma-phroditism with gynecomastia; 46,XY disorder of sex development due to 17-beta-hydroxysteroid dehydrogenase 3 deficiency. Identifiers: Orphanet 752, MedGen C0268296, MONDO:0009916, OMIM 264300. Disease mechanism: loss of function.

Submission:

Women's Health and Genetics/Laboratory Corporation of America, LabCorp
Classification: Likely pathogenic for Testosterone 17-beta-dehydrogenase deficiency. Last evaluated: 2024-11-26. Review status: criteria provided, single submitter. Criteria: LabCorp Variant Classification Summary - May 2015. Collection method: clinical testing. Allele origin: germline.
Comment: Variant summary: HSD17B3 c.812A>G (p.His271Arg) results in a non-conservative amino acid change in the encoded protein sequence. Five of five in-silico tools predict a damaging effect of the variant on protein function. The variant was absent in 251434 control chromosomes. c.812A>G has been reported in the literature in the homozygous state in at least 1 individual affected with Testosterone 17-beta-dehydrogenase deficiency (example, Bachelot_2006, Hassan_2016). These data indicate that the variant may be associated with disease. At least one publication reports experimental evidence evaluating an impact on protein function. The most pronounced variant effect results in <10% of normal activity in vitro (example, Yazawa_2020). The following publications have been ascertained in the context of this evaluation (PMID: 27073926, 31614207, NO_PMID). No submitters have cited clinical-significance assessments for this variant to ClinVar. Based on the evidence outlined above, the variant was classified as likely pathogenic.

Literature cited by the submitters: PubMed 27073926; PubMed 31614207.